The following is an entry in ClinVar:

ClinVar aggregate classification (germline): Uncertain significance (1 of 4 stars; one submission).

Conditions:
RYR1-related disorder. Also called: RYR1-related condition; RYR1-related disorders. Identifiers: MedGen CN239331.

Submission:

Labcorp Genetics (formerly Invitae), Labcorp
Classification: Uncertain significance for RYR1-related disorder. Last evaluated: 2022-10-28. Review status: criteria provided, single submitter. Criteria: Invitae Variant Classification Sherloc (09022015). Collection method: clinical testing. Allele origin: germline.
Comment: In summary, the available evidence is currently insufficient to determine the role of this variant in disease. Therefore, it has been classified as a Variant of Uncertain Significance. Advanced modeling of protein sequence and biophysical properties (such as structural, functional, and spatial information, amino acid conservation, physicochemical variation, residue mobility, and thermodynamic stability) performed at Invitae indicates that this missense variant is not expected to disrupt RYR1 protein function. This variant has not been reported in the literature in individuals affected with RYR1-related conditions. This variant is not present in population databases (gnomAD no frequency). This sequence change replaces glutamic acid, which is acidic and polar, with lysine, which is basic and polar, at codon 4277 of the RYR1 protein (p.Glu4277Lys).

NM_000540.3(RYR1):c.12829G>A (p.Glu4277Lys)

Gene: RYR1 (ryanodine receptor 1; plus strand). Cytogenetic location: 19q13.2.
Variant type: single nucleotide variant.
Coding change: c.12829G>A on transcript NM_000540.3 (MANE Select); coding-DNA position 12829, G replaced by A.
Protein change: p.Glu4277Lys; replaces glutamic acid 4277 with lysine.
Molecular consequence: missense variant.
Genome position (GRCh38, 1-based): chr19:38,565,163, G>A. VCF-style: chr19-38565163-G-A. GRCh37 (hg19) VCF-style: chr19-39055803-G-A.
Other names: c.12814G>A, p.Glu4272Lys (NM_001042723.2); short protein forms E4277K, E4272K.
Identifiers: ClinVar variation 2955244 (VCV002955244.3), dbSNP rs2145843996, ClinGen allele CA405671364.